The following is an entry in ClinVar:

NM_005334.3(HCFC1):c.2231C>T (p.Ala744Val)

Gene: HCFC1 (host cell factor C1; minus strand). Cytogenetic location: Xq28.
Variant type: single nucleotide variant.
Coding change: c.2231C>T on transcript NM_005334.3 (MANE Select); coding-DNA position 2231, C replaced by T.
Protein change: p.Ala744Val; replaces alanine 744 with valine.
Molecular consequence: missense variant.
Genome position (GRCh38, 1-based): chrX:153,957,436, G>A on the plus strand (C>T on the coding strand, the complement: HCFC1 is on the minus strand). VCF-style: chrX-153957436-G-A. GRCh37 (hg19) VCF-style: chrX-153222887-G-A.
Other names: NC_000023.10:g.153222887G>A; short protein forms A744V.
Identifiers: ClinVar variation 1254144 (VCV001254144.4), dbSNP rs2065388763, ClinGen allele CA415131605.
Genomic context (GRCh38, chrX:153,957,436, plus strand): 5'-CCGGGCTTGGTGGTACTGGGGGAGACGCTGCTGATGCCCAGGATGGTGGGCTTGGTCCCC[G>A]CCCCACTGGCCTGCGTGGTAGTGATGATGGTGGTGGGCTTGCCATCTGCTGAGGTCACCA-3'
Protein context (NP_005325.2, residues 734-754): TIITTTQASG[Ala744Val]GTKPTILGIS

ClinVar aggregate classification (germline): Uncertain significance. Review status: criteria provided, multiple submitters, no conflicts (2 of 4 stars). 2 submissions from 2 submitters: Uncertain significance (2). Last evaluated 2021-11-02.

Conditions:
Methylmalonic acidemia with homocystinuria, type cblX (MAHCX). Also called: INTELLECTUAL DEVELOPMENTAL DISORDER, X-LINKED 3. Identifiers: Orphanet 369962, MedGen C0796208, MONDO:0010657, OMIM 309541.

Allele frequency attached by ClinVar (database versions not stated): gnomAD exomes below 0.00001; TOPMed below 0.00001.
gnomAD v4.1: 3 of 1,209,800 alleles (0.00025%); highest among the groups gnomAD compares: Middle Eastern, 0.023%; no homozygotes.

Submissions (3):

Fulgent Genetics
Classification: Uncertain significance for Methylmalonic acidemia with homocystinuria, type cblX. Last evaluated: 2021-11-02. Review status: criteria provided, single submitter. Criteria: ACMG Guidelines, 2015. Collection method: clinical testing. Allele origin: unknown.

GeneDx
Classification: Uncertain significance. Last evaluated: 2021-08-16. Review status: criteria provided, single submitter. Criteria: GeneDx Variant Classification Process June 2021. Collection method: clinical testing. Allele origin: germline. Affected: yes.
Comment: Not observed at significant frequency in large population cohorts (Lek et al., 2016); In silico analysis supports that this missense variant does not alter protein structure/function; Has not been previously published as pathogenic or benign to our knowledge

Dr. Peter K. Rogan Lab, Western University
No classification provided (evidence only). Condition: Thyroid cancer, nonmedullary, 1. Review status: no classification provided. Collection method: in vitro. Allele origin: not applicable. Functional consequence: retained intron. Not counted in ClinVar's aggregate classification.